The following is an entry in ClinVar:

ClinVar aggregate classification (germline): Uncertain significance (1 of 4 stars; one submission).

Conditions:
TNXB-related disorder. Also called: TNXB-related condition.

Submission:

PreventionGenetics, part of Exact Sciences
Classification: Uncertain significance for TNXB-related condition. Last evaluated: 2026-09-14. Review status: criteria provided, single submitter. Criteria: ACMG Guidelines, 2015. Collection method: clinical testing. Allele origin: germline.
Comment: The TNXB c.7468C>T variant is predicted to result in the amino acid substitution p.Pro2490Ser. To our knowledge, this variant has not been reported in the literature or in a large population database (gnomAD), indicating this variant is rare. At this time, the clinical significance of this variant is uncertain due to the absence of conclusive functional and genetic evidence.

NM_001365276.2(TNXB):c.7468C>T (p.Pro2490Ser)

Gene: TNXB (tenascin XB; minus strand). Cytogenetic location: 6p21.33.
Variant type: single nucleotide variant.
Coding change: c.7468C>T on transcript NM_001365276.2 (MANE Select); coding-DNA position 7468, C replaced by T.
Protein change: p.Pro2490Ser; replaces proline 2490 with serine.
Molecular consequence: missense variant.
Genome position (GRCh38, 1-based): chr6:32,061,421, G>A on the plus strand (C>T on the coding strand, the complement: TNXB is on the minus strand). VCF-style: chr6-32061421-G-A. GRCh37 (hg19) VCF-style: chr6-32029198-G-A.
Other names: c.8209C>T, p.Pro2737Ser (NM_001428335.1); c.7468C>T, p.Pro2490Ser (NM_019105.8); short protein forms P2737S, P2490S.
Identifiers: ClinVar variation 4995108 (VCV004995108.1).